The following is an entry in ClinVar:

NM_000154.2(GALK1):c.189G>A (p.Leu63=)

Gene: GALK1 (galactokinase 1; minus strand). Cytogenetic location: 17q25.1.
Variant type: single nucleotide variant.
Coding change: c.189G>A on transcript NM_000154.2 (MANE Select); coding-DNA position 189, G replaced by A.
Protein change: p.Leu63=; no amino-acid change (leucine 63 retained).
Molecular consequence: synonymous variant.
Genome position (GRCh38, 1-based): chr17:75,764,063, C>T on the plus strand (G>A on the coding strand, the complement: GALK1 is on the minus strand). VCF-style: chr17-75764063-C-T. GRCh37 (hg19) VCF-style: chr17-73760144-C-T.
Identifiers: ClinVar variation 92514 (VCV000092514.23), dbSNP rs7211385, ClinGen allele CA145827.

ClinVar aggregate classification (germline): Benign. Review status: criteria provided, multiple submitters, no conflicts (2 of 4 stars). 6 submissions from 6 submitters: Benign (5). 1 of the submissions does not count toward it. Last evaluated 2026-02-04.

Conditions:
Deficiency of galactokinase. Also called: GALACTOSEMIA II; Galactokinase deficiency with cataracts. Identifiers: Orphanet 352, Orphanet 79237, MedGen C0268155, MONDO:0009255, OMIM 230200.

Allele frequency attached by ClinVar (database versions not stated): gnomAD exomes 0.00898; ExAC 0.01784; gnomAD 0.03635 and 0.03914; 1000 Genomes Project 0.03734; 1000 Genomes Project 30x 0.03888; TOPMed 0.04031; ESP Exome Variant Server 0.04358.
gnomAD v4.1: 10,882 of 1,588,968 alleles (0.68%); highest among the groups gnomAD compares: African/African-American, 13%; 613 homozygotes.

Submissions (6):

Labcorp Genetics (formerly Invitae), Labcorp
Classification: Benign for Deficiency of galactokinase. Last evaluated: 2026-02-04. Review status: criteria provided, single submitter. Criteria: Invitae Variant Classification Sherloc (09022015). Collection method: clinical testing. Allele origin: germline.

GeneDx
Classification: Benign. Last evaluated: 2018-07-09. Review status: criteria provided, single submitter. Criteria: GeneDx Variant Classification Process June 2021. Collection method: clinical testing. Allele origin: germline. Affected: yes.

Illumina Laboratory Services, Illumina
Classification: Benign for Deficiency of galactokinase. Last evaluated: 2018-01-13. Review status: criteria provided, single submitter. Criteria: ICSL Variant Classification Criteria 13 December 2019. Collection method: clinical testing. Allele origin: germline.
Comment: This variant was observed in the ICSL laboratory as part of a predisposition screen in an ostensibly healthy population. It had not been previously curated by ICSL or reported in the Human Gene Mutation Database (HGMD: prior to June 1st, 2018), and was therefore a candidate for classification through an automated scoring system. Utilizing variant allele frequency, disease prevalence and penetrance estimates, and inheritance mode, an automated score was calculated to assess if this variant is too frequent to cause the disease. Based on the score and internal cut-off values, a variant classified as benign is not then subjected to further curation. The score for this variant resulted in a classification of benign for this disease.

Eurofins Ntd Llc (ga)
Classification: Benign. Last evaluated: 2015-01-16. Review status: criteria provided, single submitter. Criteria: EGL Classification Definitions 2015. Collection method: clinical testing. Allele origin: germline. Observed: 4 variant alleles, 4 heterozygotes.

Breakthrough Genomics
Classification: Benign. Review status: criteria provided, single submitter. Criteria: ACMG Guidelines, 2015. Collection method: not provided. Allele origin: germline. Inheritance: Autosomal recessive inheritance. Affected: yes.

Natera, Inc.
Classification: Benign for Deficiency of galactokinase. Last evaluated: 2020-09-16. Review status: no assertion criteria provided. Collection method: clinical testing. Allele origin: germline. Not counted in ClinVar's aggregate classification.